The following is an entry in ClinVar:

NM_004380.3(CREBBP):c.6206A>G (p.Asp2069Gly)

Gene: CREBBP (CREB binding lysine acetyltransferase; minus strand). Cytogenetic location: 16p13.3.
Variant type: single nucleotide variant.
Coding change: c.6206A>G on transcript NM_004380.3 (MANE Select); coding-DNA position 6206, A replaced by G.
Protein change: p.Asp2069Gly; replaces aspartic acid 2069 with glycine.
Molecular consequence: missense variant.
Genome position (GRCh38, 1-based): chr16:3,728,841, T>C on the plus strand (A>G on the coding strand, the complement: CREBBP is on the minus strand). VCF-style: chr16-3728841-T-C. GRCh37 (hg19) VCF-style: chr16-3778842-T-C.
Other names: c.6092A>G, p.Asp2031Gly (NM_001079846.1); short protein forms D2031G, D2069G.
Identifiers: ClinVar variation 5009243 (VCV005009243.1).

ClinVar aggregate classification (germline): Uncertain significance (1 of 4 stars; one submission).

Submission:

GeneDx
Classification: Uncertain significance. Last evaluated: 2026-03-15. Review status: criteria provided, single submitter. Criteria: GeneDx Variant Classification Process June 2021. Collection method: clinical testing. Allele origin: germline.
Comment: Not observed at significant frequency in large population cohorts (gnomAD); In silico analysis supports that this missense variant has a deleterious effect on protein structure/function; Has not been previously published as pathogenic or benign to our knowledge; This variant is associated with the following publications: (PMID: 8616895)